The following is an entry in ClinVar:

ClinVar aggregate classification (germline): Likely benign (0 of 4 stars; one submission).

Conditions:
LEPR-related disorder. Also called: LEPR-related disorders; LEPR-related condition.

Allele frequency attached by ClinVar (database versions not stated): gnomAD exomes below 0.00001.
gnomAD v4.1: 4 of 1,613,004 alleles (0.00025%); highest among the groups gnomAD compares: Admixed American, 0.0017%; no homozygotes.

Submission:

PreventionGenetics, part of Exact Sciences
Classification: Likely benign for LEPR-related condition. Last evaluated: 2023-07-17. Review status: no assertion criteria provided. Collection method: clinical testing. Allele origin: germline.
Comment: This variant is classified as likely benign based on ACMG/AMP sequence variant interpretation guidelines (Richards et al. 2015 PMID: 25741868, with internal and published modifications).

NM_002303.6(LEPR):c.1011A>G (p.Pro337=)

Gene: LEPR (leptin receptor; plus strand). Cytogenetic location: 1p31.3.
Variant type: single nucleotide variant.
Coding change: c.1011A>G on transcript NM_002303.6 (MANE Select); coding-DNA position 1011, A replaced by G.
Protein change: p.Pro337=; no amino-acid change (proline 337 retained).
Molecular consequence: synonymous variant.
Genome position (GRCh38, 1-based): chr1:65,601,408, A>G. VCF-style: chr1-65601408-A-G. GRCh37 (hg19) VCF-style: chr1-66067091-A-G.
Other names: c.1011A>G, p.Pro337= (NM_001003679.3, NM_001003680.3, NM_001198687.2 and 2 more transcripts).
Identifiers: ClinVar variation 3046212 (VCV003046212.2), dbSNP rs1656431537, ClinGen allele CA418228018.